The following is an entry in ClinVar:

NM_001394998.1(TANC2):c.4477G>A (p.Asp1493Asn)

Gene: TANC2 (tetratricopeptide repeat, ankyrin repeat and coiled-coil containing 2; plus strand). Cytogenetic location: 17q23.3.
Variant type: single nucleotide variant.
Coding change: c.4477G>A on transcript NM_001394998.1 (MANE Select); coding-DNA position 4477, G replaced by A.
Protein change: p.Asp1493Asn; replaces aspartic acid 1493 with asparagine.
Molecular consequence: missense variant.
Genome position (GRCh38, 1-based): chr17:63,420,207, G>A. VCF-style: chr17-63420207-G-A. GRCh37 (hg19) VCF-style: chr17-61497568-G-A.
Other names: c.4255G>A, p.Asp1419Asn (NM_001411076.1); c.4225G>A, p.Asp1409Asn (NM_025185.4); short protein forms D1409N, D1419N, D1493N.
Identifiers: ClinVar variation 3025749 (VCV003025749.22), dbSNP rs563476758, ClinGen allele CA8698251.
Genomic context (GRCh38, chr17:63,420,207, plus strand): 5'-CAGCAGTTGCCGGAAGAAGCAGAACCTGAGCCACAGCATGAAGACATATACTCTGTACAG[G>A]ATATATTCGAGGAGGAGTACCTGGAACAGGATGTTGAAAATGTTTCCATTGGCCTCCAGA-3'
Protein context (NP_001381927.1, residues 1483-1503): PQHEDIYSVQ[Asp1493Asn]IFEEEYLEQD

ClinVar aggregate classification (germline): Likely benign (1 of 4 stars; one submission).

Allele frequency attached by ClinVar (database versions not stated): TOPMed 0.00002; gnomAD 0.00004; gnomAD exomes 0.00015; 1000 Genomes Project 30x 0.00031; 1000 Genomes Project 0.00040; ExAC 0.00081.
gnomAD v4.1: 221 of 1,605,724 alleles (0.014%); highest among the groups gnomAD compares: South Asian, 0.24%; 1 homozygote.

Submission:

CeGaT Center for Human Genetics Tuebingen
Classification: Likely benign. Last evaluated: 2024-01-01. Review status: criteria provided, single submitter. Criteria: CeGaT Center For Human Genetics Tuebingen Variant Classification Criteria Version 2. Collection method: clinical testing. Allele origin: germline. Affected: yes. Observed: 1 variant allele.
Comment: TANC2: BS1